The following is an entry in ClinVar:

NM_004984.4(KIF5A):c.1218G>C (p.Val406=)

Gene: KIF5A (kinesin family member 5A; plus strand). Cytogenetic location: 12q13.3.
Variant type: single nucleotide variant.
Coding change: c.1218G>C on transcript NM_004984.4 (MANE Select); coding-DNA position 1218, G replaced by C.
Protein change: p.Val406=; no amino-acid change (valine 406 retained).
Molecular consequence: synonymous variant.
Genome position (GRCh38, 1-based): chr12:57,570,087, G>C. VCF-style: chr12-57570087-G-C. GRCh37 (hg19) VCF-style: chr12-57963870-G-C.
Other names: c.951G>C, p.Val317= (NM_001354705.2).
Identifiers: ClinVar variation 515955 (VCV000515955.4), dbSNP rs758977709, ClinGen allele CA480264488.

ClinVar aggregate classification (germline): Likely benign. Review status: criteria provided, multiple submitters, no conflicts (2 of 4 stars). 2 submissions from 2 submitters: Likely benign (2). Last evaluated 2023-12-01.

Conditions:
Spastic paraplegia. Identifiers: MedGen C0037772, HP:0001258.

Allele frequency attached by ClinVar (database versions not stated): TOPMed below 0.00001; gnomAD 0.00001.

Submissions (2):

Labcorp Genetics (formerly Invitae), Labcorp
Classification: Likely benign for Spastic paraplegia. Last evaluated: 2023-12-01. Review status: criteria provided, single submitter. Criteria: Invitae Variant Classification Sherloc (09022015). Collection method: clinical testing. Allele origin: germline.

GeneDx
Classification: Likely benign. Last evaluated: 2018-03-08. Review status: criteria provided, single submitter. Criteria: GeneDx Variant Classification (06012015). Collection method: clinical testing. Allele origin: germline. Affected: yes.
Comment: This variant is considered likely benign or benign based on one or more of the following criteria: it is a conservative change, it occurs at a poorly conserved position in the protein, it is predicted to be benign by multiple in silico algorithms, and/or has population frequency not consistent with disease.